The following is an entry in ClinVar:

ClinVar aggregate classification (germline): Uncertain significance (1 of 4 stars; one submission).

Submission:

GeneDx
Classification: Uncertain significance. Last evaluated: 2024-06-17. Review status: criteria provided, single submitter. Criteria: GeneDx Variant Classification Process June 2021. Collection method: clinical testing. Allele origin: germline. Affected: yes.
Comment: Has not been previously published as pathogenic or benign to our knowledge; Not observed at significant frequency in large population cohorts (gnomAD); In silico analysis indicates that this missense variant does not alter protein structure/function

NM_002860.4(ALDH18A1):c.67T>C (p.Cys23Arg)

Gene: ALDH18A1 (aldehyde dehydrogenase 18 family member A1; minus strand). Cytogenetic location: 10q24.1.
Variant type: single nucleotide variant.
Coding change: c.67T>C on transcript NM_002860.4 (MANE Select); coding-DNA position 67, T replaced by C.
Protein change: p.Cys23Arg; replaces cysteine 23 with arginine.
Molecular consequence: missense variant. On other transcripts: 5 prime UTR variant (4).
Genome position (GRCh38, 1-based): chr10:95,653,311, A>G on the plus strand (T>C on the coding strand, the complement: ALDH18A1 is on the minus strand). VCF-style: chr10-95653311-A-G. GRCh37 (hg19) VCF-style: chr10-97413068-A-G.
Other names: c.67T>C, p.Cys23Arg (NM_001017423.2, NM_001323413.2, NM_001323414.2 and 2 more transcripts); c.-52T>C (NM_001323412.2, NM_001323416.2, NM_001323418.2); c.-100T>C (NM_001323419.2); short protein forms C23R.
Identifiers: ClinVar variation 3391714 (VCV003391714.1).